The following is an entry in ClinVar:

NM_001170629.2(CHD8):c.456A>G (p.Pro152=)

Gene: CHD8 (chromodomain helicase DNA binding protein 8; minus strand). Cytogenetic location: 14q11.2.
Variant type: single nucleotide variant.
Coding change: c.456A>G on transcript NM_001170629.2 (MANE Select); coding-DNA position 456, A replaced by G.
Protein change: p.Pro152=; no amino-acid change (proline 152 retained).
Molecular consequence: synonymous variant. On other transcripts: intron variant (1).
Genome position (GRCh38, 1-based): chr14:21,431,188, T>C on the plus strand (A>G on the coding strand, the complement: CHD8 is on the minus strand). VCF-style: chr14-21431188-T-C. GRCh37 (hg19) VCF-style: chr14-21899347-T-C.
Other names: c.6+623A>G (NM_020920.4).
Identifiers: ClinVar variation 193186 (VCV000193186.49), dbSNP rs61752839, ClinGen allele CA238696.

ClinVar aggregate classification (germline): Conflicting classifications of pathogenicity. Review status: criteria provided, conflicting classifications (1 of 4 stars). 6 submissions from 6 submitters: Uncertain significance (1); Benign (3); Likely benign (2). Last evaluated 2026-04-01.

Conditions:
Inborn genetic diseases. Identifiers: MedGen C0950123, MeSH D030342.

Allele frequency attached by ClinVar (database versions not stated): 1000 Genomes Project 30x 0.00109; 1000 Genomes Project 0.00140; TOPMed 0.00214; gnomAD exomes 0.00238 and 0.00439; gnomAD 0.00243 and 0.00255; ExAC 0.00255; ESP Exome Variant Server 0.00340.
gnomAD v4.1: 6,630 of 1,599,118 alleles (0.41%); highest among the groups gnomAD compares: Non-Finnish European, 0.53%; 18 homozygotes.

Submissions (6):

CeGaT Center for Human Genetics Tuebingen
Classification: Benign. Last evaluated: 2026-04-01. Review status: criteria provided, single submitter. Criteria: CeGaT Center For Human Genetics Tuebingen Variant Classification Criteria Version 2. Collection method: clinical testing. Allele origin: germline. Affected: yes. Observed: 14 variant alleles.
Comment: CHD8: BP4, BP7, BS1, BS2

Labcorp Genetics (formerly Invitae), Labcorp
Classification: Benign. Last evaluated: 2026-01-12. Review status: criteria provided, single submitter. Criteria: Invitae Variant Classification Sherloc (09022015). Collection method: clinical testing. Allele origin: germline.

Blueprint Genetics
Classification: Likely benign. Last evaluated: 2024-11-21. Review status: criteria provided, single submitter. Criteria: ACMG Guidelines, 2015. Collection method: clinical testing. Allele origin: germline.

GeneDx
Classification: Benign. Last evaluated: 2019-01-29. Review status: criteria provided, single submitter. Criteria: GeneDx Variant Classification Process June 2021. Collection method: clinical testing. Allele origin: germline. Affected: yes.

Ambry Genetics
Classification: Likely benign for Inborn genetic diseases. Last evaluated: 2016-09-23. Review status: criteria provided, single submitter. Criteria: Ambry Variant Classification Scheme 2023. Collection method: clinical testing. Allele origin: germline.

Eurofins Ntd Llc (ga)
Classification: Uncertain significance. Last evaluated: 2015-02-13. Review status: criteria provided, single submitter. Criteria: EGL Classification Definitions 2015. Collection method: clinical testing. Allele origin: germline. Observed: 3 variant alleles, 3 heterozygotes.